The following is an entry in ClinVar:

ClinVar aggregate classification (germline): Pathogenic (1 of 4 stars; one submission).

Conditions:
Fanconi anemia (FA). Also called: Fanconi's anemia. Identifiers: Orphanet 84, MedGen C0015625, MeSH D005199, MONDO:0019391.

Submission:

Labcorp Genetics (formerly Invitae), Labcorp
Classification: Pathogenic for Fanconi anemia. Last evaluated: 2023-07-17. Review status: criteria provided, single submitter. Criteria: Invitae Variant Classification Sherloc (09022015). Collection method: clinical testing. Allele origin: germline.
Comment: This variant is not present in population databases (gnomAD no frequency). This sequence change creates a premature translational stop signal (p.Tyr22Thrfs*59) in the FANCF gene. While this is not anticipated to result in nonsense mediated decay, it is expected to disrupt the last 353 amino acid(s) of the FANCF protein. For these reasons, this variant has been classified as Pathogenic. This variant disrupts a region of the FANCF protein in which other variant(s) (p.Leu162Aspfs*103) have been determined to be pathogenic (PMID: 26033879, 27714961, 28102861). This suggests that this is a clinically significant region of the protein, and that variants that disrupt it are likely to be disease-causing. ClinVar contains an entry for this variant (Variation ID: 2029770). This variant has not been reported in the literature in individuals affected with FANCF-related conditions.

Literature cited by the submitters: PubMed 26033879; PubMed 27714961; PubMed 28102861.

NM_022725.4(FANCF):c.63del (p.Tyr22fs)

Gene: FANCF (FA complementation group F; minus strand). Cytogenetic location: 11p14.3.
Variant type: Deletion.
Coding change: c.63del on transcript NM_022725.4 (MANE Select); coding-DNA position 63, one base deleted (C; older notation c.63delC).
Protein change: p.Tyr22fs; shifts the reading frame from tyrosine 22.
Molecular consequence: frameshift variant.
Genome position (GRCh38, 1-based): chr11:22,625,748, G deleted on the plus strand (C on the coding strand, the reverse complement: FANCF is on the minus strand); the first of 2 consecutive G bases (chr11:22,625,748-22,625,749); deleting either gives the same sequence. VCF-style (leftmost placement, unchanged base first): chr11-22625747-AG-A. GRCh37 (hg19) VCF-style: chr11-22647293-AG-A.
Other names: short protein forms Y22fs.
Identifiers: ClinVar variation 2029770 (VCV002029770.4), dbSNP rs2494871663, ClinGen allele CA2580082879.